The following is an entry in ClinVar:

NM_000218.3(KCNQ1):c.1437C>G (p.Phe479Leu)

Genes: KCNQ1 (potassium voltage-gated channel subfamily Q member 1; plus strand), KCNQ1OT1 (KCNQ1 opposite strand/antisense transcript 1; minus strand). Cytogenetic location: 11p15.5.
Variant type: single nucleotide variant.
Coding change: c.1437C>G on transcript NM_000218.3 (MANE Select); coding-DNA position 1437, C replaced by G.
Protein change: p.Phe479Leu; replaces phenylalanine 479 with leucine.
Molecular consequence: missense variant.
Genome position (GRCh38, 1-based): chr11:2,662,004, C>G. VCF-style: chr11-2662004-C-G. GRCh37 (hg19) VCF-style: chr11-2683234-C-G.
Other names: c.1341C>G, p.Phe447Leu (NM_001406836.1); c.1167C>G, p.Phe389Leu (NM_001406837.1); c.897C>G, p.Phe299Leu (NM_001406838.1); c.1056C>G, p.Phe352Leu (NM_181798.2); short protein forms F352L, F389L, F447L, F479L, F299L.
Identifiers: ClinVar variation 2127548 (VCV002127548.5), dbSNP rs1849965957, ClinGen allele CA379479521.

ClinVar aggregate classification (germline): Uncertain significance. Review status: criteria provided, multiple submitters, no conflicts (2 of 4 stars). 2 submissions from 2 submitters: Uncertain significance (2). Last evaluated 2024-10-23.

Conditions:
Long QT syndrome (LQTS). Identifiers: MedGen C0023976, MeSH D008133, MONDO:0002442. Disease mechanism: loss of function. Inheritance: Various modes of inheritance.

Submissions (2):

GeneDx
Classification: Uncertain significance. Last evaluated: 2024-10-23. Review status: criteria provided, single submitter. Criteria: GeneDx Variant Classification Process June 2021. Collection method: clinical testing. Allele origin: germline. Affected: yes.
Comment: Has not been previously published as pathogenic or benign to our knowledge; Not observed at significant frequency in large population cohorts (gnomAD); In silico analysis indicates that this missense variant does not alter protein structure/function

Labcorp Genetics (formerly Invitae), Labcorp
Classification: Uncertain significance for Long QT syndrome. Last evaluated: 2022-04-18. Review status: criteria provided, single submitter. Criteria: Invitae Variant Classification Sherloc (09022015). Collection method: clinical testing. Allele origin: germline.
Comment: In summary, the available evidence is currently insufficient to determine the role of this variant in disease. Therefore, it has been classified as a Variant of Uncertain Significance. Algorithms developed to predict the effect of missense changes on protein structure and function (SIFT, PolyPhen-2, Align-GVGD) all suggest that this variant is likely to be tolerated. This variant has not been reported in the literature in individuals affected with KCNQ1-related conditions. This variant is not present in population databases (gnomAD no frequency). This sequence change replaces phenylalanine, which is neutral and non-polar, with leucine, which is neutral and non-polar, at codon 479 of the KCNQ1 protein (p.Phe479Leu).